The following is an entry in ClinVar:

ClinVar aggregate classification (germline): Uncertain significance (1 of 4 stars; one submission).

Conditions:
Muscular dystrophy-dystroglycanopathy (congenital with impaired intellectual development), type B, 1. Also called: MUSCULAR DYSTROPHY, CONGENITAL, POMT1-RELATED; Muscular dystrophy-dystroglycanopathy (congenital with intellectual disability), type B1. Identifiers: MedGen C5436962, MONDO:0013159, OMIM 613155.
Walker-Warburg congenital muscular dystrophy. Also called: Muscular dystrophy-dystroglycanopathy, type A; Walker-Warburg syndrome. Identifiers: Orphanet 899, MedGen C0265221, MONDO:0000171.
Autosomal recessive limb-girdle muscular dystrophy type 2K. Also called: MUSCULAR DYSTROPHY-DYSTROGLYCANOPATHY (LIMB-GIRDLE), TYPE C, 1; MUSCULAR DYSTROPHY, LIMB-GIRDLE, TYPE 2K. Identifiers: Orphanet 86812, MedGen C1836373, MONDO:0012248, OMIM 609308.

gnomAD v4.1: 1 of 1,614,230 alleles (0.000062%); no homozygotes.

Submission:

Labcorp Genetics (formerly Invitae), Labcorp
Classification: Uncertain significance for Muscular dystrophy-dystroglycanopathy (congenital with impaired intellectual development), type B, 1; Walker-Warburg congenital muscular dystrophy; Autosomal recessive limb-girdle muscular dystrophy type 2K. Last evaluated: 2024-02-18. Review status: criteria provided, single submitter. Criteria: Invitae Variant Classification Sherloc (09022015). Collection method: clinical testing. Allele origin: germline.
Comment: This sequence change falls in intron 7 of the POMT1 gene. It does not directly change the encoded amino acid sequence of the POMT1 protein. This variant is present in population databases (no rsID available, gnomAD 0.01%). This variant has not been reported in the literature in individuals affected with POMT1-related conditions. Algorithms developed to predict the effect of sequence changes on RNA splicing suggest that this variant may disrupt the consensus splice site. In summary, the available evidence is currently insufficient to determine the role of this variant in disease. Therefore, it has been classified as a Variant of Uncertain Significance.

NM_001077365.2(POMT1):c.606-9T>G

Gene: POMT1 (protein O-mannosyltransferase 1; plus strand). Cytogenetic location: 9q34.13.
Variant type: single nucleotide variant.
Coding change: c.606-9T>G on transcript NM_001077365.2 (MANE Select); 9 bases into the intron before coding-DNA position 606, T replaced by G.
Molecular consequence: intron variant.
Genome position (GRCh38, 1-based): chr9:131,509,894, T>G. VCF-style: chr9-131509894-T-G. GRCh37 (hg19) VCF-style: chr9-134385281-T-G.
Other names: c.444-9T>G (NM_001353198.2, NM_001353194.2, NM_001374689.1 and 3 more transcripts); c.606-9T>G (NM_001353193.2, NM_001136113.2, NM_007171.4 and 1 more transcripts); c.255-9T>G (NM_001374691.1, NM_001353195.2, NM_001374692.1 and 2 more transcripts); c.516-9T>G (NM_001353196.2); c.150-9T>G (NM_001374695.1, NM_001353200.2); c.-531-9T>G (NM_001411024.1).
Identifiers: ClinVar variation 3748828 (VCV003748828.2).
Genomic context (GRCh38, chr9:131,509,894, plus strand): 5'-CAGTGTCCTCCTCCATCTCCTTATGTTTTCCTGTCTCATGTTAACTCCATTTCTGTCATG[T>G]CTTTGCAGCATCAAGTACATGGGTGTGTTCACGTACGTGCTCGTGCTGGGTGTTGCAGCT-3'